The following is an entry in ClinVar:

NM_001330360.2(POLA1):c.3046A>G (p.Thr1016Ala)

Gene: POLA1 (DNA polymerase alpha 1, catalytic subunit; plus strand). Cytogenetic location: Xp22.11.
Variant type: single nucleotide variant.
Coding change: c.3046A>G on transcript NM_001330360.2 (MANE Select); coding-DNA position 3046, A replaced by G.
Protein change: p.Thr1016Ala; replaces threonine 1016 with alanine.
Molecular consequence: missense variant. On other transcripts: non-coding transcript variant (2).
Genome position (GRCh38, 1-based): chrX:24,810,756, A>G. VCF-style: chrX-24810756-A-G. GRCh37 (hg19) VCF-style: chrX-24828873-A-G.
Other names: c.2971A>G, p.Thr991Ala (NM_001378303.1); c.3028A>G, p.Thr1010Ala (NM_016937.4); short protein forms T1010A, T1016A, T991A.
Identifiers: ClinVar variation 1251955 (VCV001251955.6), dbSNP rs2045884607, ClinGen allele CA412524632.

ClinVar aggregate classification (germline): Uncertain significance. Review status: criteria provided, multiple submitters, no conflicts (2 of 4 stars). 2 submissions from 2 submitters: Uncertain significance (2). Last evaluated 2022-05-06.

Conditions:
X-linked intellectual disability, van Esch type. Also called: MENTAL RETARDATION, X-LINKED, SYNDROMIC, VAN ESCH-O''DRISCOLL TYPE; Van Esch-O'Driscoll syndrome. Identifiers: Orphanet 163976, MedGen C4305072, MONDO:0015601, OMIM 301030.

Allele frequency attached by ClinVar (database versions not stated): TOPMed 0.00002.

Submissions (2):

Labcorp Genetics (formerly Invitae), Labcorp
Classification: Uncertain significance. Last evaluated: 2022-05-06. Review status: criteria provided, single submitter. Criteria: Invitae Variant Classification Sherloc (09022015). Collection method: clinical testing. Allele origin: germline.
Comment: This sequence change replaces threonine, which is neutral and polar, with alanine, which is neutral and non-polar, at codon 1010 of the POLA1 protein (p.Thr1010Ala). In summary, the available evidence is currently insufficient to determine the role of this variant in disease. Therefore, it has been classified as a Variant of Uncertain Significance. Algorithms developed to predict the effect of missense changes on protein structure and function (SIFT, PolyPhen-2, Align-GVGD) all suggest that this variant is likely to be disruptive. ClinVar contains an entry for this variant (Variation ID: 1251955). This variant has not been reported in the literature in individuals affected with POLA1-related conditions. This variant is not present in population databases (gnomAD no frequency).

HudsonAlpha Institute for Biotechnology
Classification: Uncertain significance for X-linked intellectual disability, van Esch type. Last evaluated: 2021-08-09. Review status: criteria provided, single submitter. Criteria: ACMG Guidelines, 2015. Collection method: research. Allele origin: maternal. Observed: 1 variant allele. Study: HudsonAlpha-AGHI-WGS.
Comment: ACMG codes:PM2, PP3